The following is an entry in ClinVar:

NM_000531.6(OTC):c.541G>A (p.Glu181Lys)

Gene: OTC (ornithine transcarbamylase; plus strand). Cytogenetic location: Xp11.4.
Variant type: single nucleotide variant.
Coding change: c.541G>A on transcript NM_000531.6 (MANE Select); coding-DNA position 541, G replaced by A.
Protein change: p.Glu181Lys; replaces glutamic acid 181 with lysine.
Molecular consequence: missense variant.
Genome position (GRCh38, 1-based): chrX:38,403,618, G>A. VCF-style: chrX-38403618-G-A. GRCh37 (hg19) VCF-style: chrX-38262871-G-A.
Other names: c.541G>A, p.Glu181Lys (NM_001407092.1); short protein forms E181K.
Identifiers: ClinVar variation 4281614 (VCV004281614.1).

ClinVar aggregate classification (germline): Likely pathogenic (1 of 4 stars; one submission).

Conditions:
Ornithine carbamoyltransferase deficiency (OTCD). Also called: OTC DEFICIENCY; Ornithine Carbamoyltransferase Deficiency Disease; ORNITHINE TRANSCARBAMYLASE DEFICIENCY; ORNITHINE TRANSCARBAMYLASE DEFICIENCY, HYPERAMMONEMIA DUE TO. Identifiers: Orphanet 664, MedGen C0268542, MONDO:0010703, OMIM 311250.

Submission:

Department of Traditional Chinese Medicine, Fujian Provincial Hospital
Classification: Likely pathogenic for Ornithine carbamoyltransferase deficiency. Last evaluated: 2025-09-28. Review status: criteria provided, single submitter. Criteria: ACMG Guidelines, 2015. Collection method: research. Allele origin: de novo.
Comment: According to ACMG guidelines, the pathogenic evidence PS2_Supporting is supported: the mutation has been detected as a new mutation in one or more families with phenotypic correlation and confirmed by kinship, reaching 0.5 ≤ PS2-case _ score < 1. Moderate pathogenic evidence PM1: The mutation is located in the pathogenic hot spot (there are more than three pathogenic missense mutations and no benign missense mutations within the range of 10bp), or in the CCR(Constrained Coding Region) region, where all missense mutations are pathogenic mutations and no benign missense mutations or are located in the protein functional domain reported by the existing pathogenic sites. PM2_Supporting: The database frequency of normal population is less than 0.0005(AD/XL) or less than 0.001(AR). Moderate pathogenic evidence PM5: a new missense mutation [OTC(NM_000531.6):c.542A>G(E181G)[p.(Glu181Gly)] located on the same codon as a missense mutation that has been identified as pathogenic (P) or possibly pathogenic (LP) . Moderate pathogenic evidence PP3_Moderate(REVEL_Mis): The predicted value of this missense variation is in the range of [0.773, 0.932], which meets the threshold level of moderate pathogenic evidence.